The following is an entry in ClinVar:

NC_000005.9:g.(?_90149081)_(90459717_?)del

Gene: ADGRV1 (adhesion G protein-coupled receptor V1; plus strand). Cytogenetic location: 5q14.3.
Variant type: Deletion.
Identifiers: ClinVar variation 3246549 (VCV003246549.1).

ClinVar aggregate classification (germline): Pathogenic (1 of 4 stars; one submission).

Submission:

Labcorp Genetics (formerly Invitae), Labcorp
Classification: Pathogenic. Last evaluated: 2023-02-16. Review status: criteria provided, single submitter. Criteria: Invitae Variant Classification Sherloc (09022015). Collection method: clinical testing. Allele origin: unknown.
Comment: This variant has not been reported in the literature in individuals affected with ADGRV1-related conditions. This variant disrupts a region of the ADGRV1 protein in which other variant(s) (p.Leu6261Ser) have been determined to be pathogenic (PMID: 22135276). This suggests that this is a clinically significant region of the protein, and that variants that disrupt it are likely to be disease-causing. For these reasons, this variant has been classified as Pathogenic. This variant is a gross deletion of the genomic region encompassing exon(s) 80-90 of the ADGRV1 gene, which includes the termination codon. This deletion extends beyond the assayed region for this gene and therefore may encompass additional genes. While this deletion is not anticipated to lead to nonsense mediated decay, it is expected to alter mRNA translation or result in a truncated protein product.

Literature cited by the submitters: PubMed 22135276.